The following is an entry in ClinVar:

ClinVar aggregate classification (germline): Uncertain significance (1 of 4 stars; one submission).

Conditions:
PURA-related severe neonatal hypotonia-seizures-encephalopathy syndrome (NEDRIHF). Also called: NEURODEVELOPMENTAL DISORDER WITH NEONATAL RESPIRATORY INSUFFICIENCY, HYPOTONIA, AND FEEDING DIFFICULTIES; PURA-Related Neurodevelopmental Disorders. Identifiers: Orphanet 438213, Orphanet 438216, MedGen C4015357, MONDO:1060108, OMIM 616158, MONDO:0018580.

Submission:

Labcorp Genetics (formerly Invitae), Labcorp
Classification: Uncertain significance for PURA-related severe neonatal hypotonia-seizures-encephalopathy syndrome. Last evaluated: 2020-04-02. Review status: criteria provided, single submitter. Criteria: Invitae Variant Classification Sherloc (09022015). Collection method: clinical testing. Allele origin: germline.
Comment: This variant, c.787_789del, results in the deletion of 1 amino acid(s) of the PURA protein (p.Val263del), but otherwise preserves the integrity of the reading frame. In summary, the available evidence is currently insufficient to determine the role of this variant in disease. Therefore, it has been classified as a Variant of Uncertain Significance. Experimental studies and prediction algorithms are not available for this variant, and the functional significance of the affected amino acid(s) is currently unknown. This variant has not been reported in the literature in individuals with PURA-related conditions. This variant is not present in population databases (ExAC no frequency).

NM_005859.5(PURA):c.787_789del (p.Val263del)

Gene: PURA (purine rich element binding protein A; plus strand). Cytogenetic location: 5q31.3.
Variant type: Deletion.
Coding change: c.787_789del on transcript NM_005859.5 (MANE Select); coding-DNA positions 787 to 789, 3 bases deleted (GTG; older notation c.787_789delGTG).
Protein change: p.Val263del; deletes valine 263.
Molecular consequence: inframe deletion.
Genome position (GRCh38, 1-based): chr5:140,114,968-140,114,970, GTG deleted; deleting any 3 consecutive bases within chr5:140,114,967-140,114,970 gives the same sequence; the c. name uses the placement nearest the transcript's 3' end. VCF-style (leftmost placement, unchanged base first): chr5-140114966-AGGT-A. GRCh37 (hg19) VCF-style: chr5-139494551-AGGT-A.
Other names: short protein forms V263del.
Identifiers: ClinVar variation 656597 (VCV000656597.9), dbSNP rs1581036663, ClinGen allele CA915942641.